The following is an entry in ClinVar:

NM_014865.4(NCAPD2):c.3019G>A (p.Gly1007Ser)

Gene: NCAPD2 (non-SMC condensin I complex subunit D2; plus strand). Cytogenetic location: 12p13.31.
Variant type: single nucleotide variant.
Coding change: c.3019G>A on transcript NM_014865.4 (MANE Select); coding-DNA position 3019, G replaced by A.
Protein change: p.Gly1007Ser; replaces glycine 1007 with serine.
Molecular consequence: missense variant.
Genome position (GRCh38, 1-based): chr12:6,527,888, G>A. VCF-style: chr12-6527888-G-A. GRCh37 (hg19) VCF-style: chr12-6637054-G-A.
Other names: short protein forms G1007S.
Identifiers: ClinVar variation 4880206 (VCV004880206.1).

ClinVar aggregate classification (germline): Likely pathogenic (1 of 4 stars; one submission).

Conditions:
Microcephaly 21, primary, autosomal recessive. Identifiers: MedGen C4693831, MONDO:0054804, OMIM 617983.

gnomAD v4.1: 24 of 1,613,554 alleles (0.0015%); highest among the groups gnomAD compares: Non-Finnish European, 0.0019%; no homozygotes.

Submission:

Wales Gene Park, Division Of Cancer and Genetics, Cardiff University
Classification: Likely pathogenic for Microcephaly 21, primary, autosomal recessive. Last evaluated: 2026-04-28. Review status: criteria provided, single submitter. Criteria: ACGS Best Practice Guidelines for Variant Classification in Rare Disease 2024. Collection method: research. Allele origin: inherited. Inheritance: Autosomal recessive inheritance. Affected: yes. Study: 100,000 Genomes Project (Wales).
Comment: Low frequency in gnomAD (v4.1.1). RNA analysis of proband blood demonstrated the variant caused an out-of-frame insertion: r.1216_1217ins1217-498_1217-401, p.(Lys407TrpfsTer28). Evidence codes: PM2, PM3, PVS1_supporting, PP4.